The following is an entry in ClinVar:

NM_020964.3(EPG5):c.5648C>T (p.Ala1883Val)

Gene: EPG5 (ectopic P-granules 5 autophagy tethering factor; minus strand). Cytogenetic location: 18q12.3.
Variant type: single nucleotide variant.
Coding change: c.5648C>T on transcript NM_020964.3 (MANE Select); coding-DNA position 5648, C replaced by T.
Protein change: p.Ala1883Val; replaces alanine 1883 with valine.
Molecular consequence: missense variant.
Genome position (GRCh38, 1-based): chr18:45,880,094, G>A on the plus strand (C>T on the coding strand, the complement: EPG5 is on the minus strand). VCF-style: chr18-45880094-G-A. GRCh37 (hg19) VCF-style: chr18-43460059-G-A.
Other names: short protein forms A1883V.
Identifiers: ClinVar variation 845580 (VCV000845580.8), dbSNP rs750003350, ClinGen allele CA8948533.

ClinVar aggregate classification (germline): Uncertain significance (1 of 4 stars; one submission).

Conditions:
Vici syndrome (VICIS). Identifiers: Orphanet 1493, MedGen C1855772, MONDO:0009452, OMIM 242840.

Allele frequency attached by ClinVar (database versions not stated): gnomAD below 0.00001 and 0.00001; TOPMed 0.00001; gnomAD exomes 0.00005; ExAC 0.00009.

Submission:

Labcorp Genetics (formerly Invitae), Labcorp
Classification: Uncertain significance for Vici syndrome. Last evaluated: 2023-06-29. Review status: criteria provided, single submitter. Criteria: Invitae Variant Classification Sherloc (09022015). Collection method: clinical testing. Allele origin: germline.
Comment: In summary, the available evidence is currently insufficient to determine the role of this variant in disease. Therefore, it has been classified as a Variant of Uncertain Significance. Advanced modeling of protein sequence and biophysical properties (such as structural, functional, and spatial information, amino acid conservation, physicochemical variation, residue mobility, and thermodynamic stability) performed at Invitae indicates that this missense variant is not expected to disrupt EPG5 protein function. ClinVar contains an entry for this variant (Variation ID: 845580). This variant has not been reported in the literature in individuals affected with EPG5-related conditions. This variant is present in population databases (rs750003350, gnomAD 0.03%). This sequence change replaces alanine, which is neutral and non-polar, with valine, which is neutral and non-polar, at codon 1883 of the EPG5 protein (p.Ala1883Val).